The following is an entry in ClinVar:

NM_001277115.2(DNAH11):c.3765C>T (p.Asp1255=)

Gene: DNAH11 (dynein axonemal heavy chain 11; plus strand). Cytogenetic location: 7p15.3.
Variant type: single nucleotide variant.
Coding change: c.3765C>T on transcript NM_001277115.2 (MANE Select); coding-DNA position 3765, C replaced by T.
Protein change: p.Asp1255=; no amino-acid change (aspartic acid 1255 retained).
Molecular consequence: synonymous variant.
Genome position (GRCh38, 1-based): chr7:21,606,542, C>T. VCF-style: chr7-21606542-C-T. GRCh37 (hg19) VCF-style: chr7-21646160-C-T.
Identifiers: ClinVar variation 257885 (VCV000257885.19), dbSNP rs190062687, ClinGen allele CA4179731.

ClinVar aggregate classification (germline): Conflicting classifications of pathogenicity. Review status: criteria provided, conflicting classifications (1 of 4 stars). 6 submissions from 6 submitters: Uncertain significance (1); Likely benign (5). Last evaluated 2026-01-26.

Conditions:
Primary ciliary dyskinesia 7. Also called: CILIARY DYSKINESIA, PRIMARY, 7, WITH OR WITHOUT SITUS INVERSUS. Identifiers: Orphanet 244, MedGen C2678473, MONDO:0012748, OMIM 611884.
Primary ciliary dyskinesia. Also called: Ciliary dyskinesia. Identifiers: Orphanet 244, MedGen C0008780, MONDO:0016575, HP:0012265.

Allele frequency attached by ClinVar (database versions not stated): gnomAD exomes 0.00012 and 0.00030; ExAC 0.00038; gnomAD 0.00086 and 0.00092; 1000 Genomes Project 30x 0.00094; 1000 Genomes Project 0.00100; ESP Exome Variant Server 0.00118; TOPMed 0.00118.
gnomAD v4.1: 324 of 1,603,680 alleles (0.02%); highest among the groups gnomAD compares: African/African-American, 0.31%; 2 homozygotes.

Submissions (6):

Labcorp Genetics (formerly Invitae), Labcorp
Classification: Likely benign for Primary ciliary dyskinesia. Last evaluated: 2026-01-26. Review status: criteria provided, single submitter. Criteria: Invitae Variant Classification Sherloc (09022015). Collection method: clinical testing. Allele origin: germline.

Blueprint Genetics
Classification: Likely benign. Last evaluated: 2024-10-02. Review status: criteria provided, single submitter. Criteria: ACMG Guidelines, 2015. Collection method: clinical testing. Allele origin: germline.

ARUP Laboratories, Molecular Genetics and Genomics, ARUP Laboratories
Classification: Likely benign for Primary ciliary dyskinesia 7. Last evaluated: 2024-06-10. Review status: criteria provided, single submitter. Criteria: ARUP Molecular Germline Variant Investigation Process 2024. Collection method: clinical testing. Allele origin: germline.

Ambry Genetics
Classification: Likely benign for Primary ciliary dyskinesia. Last evaluated: 2022-11-04. Review status: criteria provided, single submitter. Criteria: Ambry Variant Classification Scheme 2023. Collection method: clinical testing. Allele origin: germline.

GeneDx
Classification: Uncertain significance. Last evaluated: 2020-01-17. Review status: criteria provided, single submitter. Criteria: GeneDx Variant Classification Process June 2021. Collection method: clinical testing. Allele origin: germline. Affected: yes.
Comment: In-silico analysis, which includes splice predictors and evolutionary conservation, is inconclusive as to whether the variant alters gene splicing. In the absence of RNA/functional studies, the actual effect of this sequence change is unknown.; Has not been previously published as pathogenic or benign to our knowledge

PreventionGenetics, part of Exact Sciences
Classification: Likely benign. Review status: criteria provided, single submitter. Criteria: ACMG Guidelines, 2015. Collection method: clinical testing. Allele origin: germline.